The following is an entry in ClinVar:

ClinVar aggregate classification (germline): Pathogenic. Review status: criteria provided, multiple submitters, no conflicts (2 of 4 stars). 3 submissions from 3 submitters: Pathogenic (2). 1 of the submissions does not count toward it. Last evaluated 2025-09-29.

Conditions:
BEST1-related disorder. Also called: BEST1-related disorders; BEST1-related condition. Identifiers: MedGen CN239200.

Allele frequency attached by ClinVar (database versions not stated): TOPMed below 0.00001.
gnomAD v4.1: 1 of 1,614,202 alleles (0.000062%); highest among the groups gnomAD compares: Non-Finnish European, 0.000085%; no homozygotes.

Submissions (3):

Labcorp Genetics (formerly Invitae), Labcorp
Classification: Pathogenic. Last evaluated: 2025-09-29. Review status: criteria provided, single submitter. Criteria: Invitae Variant Classification Sherloc (09022015). Collection method: clinical testing. Allele origin: germline.
Comment: This sequence change replaces aspartic acid, which is acidic and polar, with glutamic acid, which is acidic and polar, at codon 303 of the BEST1 protein (p.Asp303Glu). This variant is not present in population databases (gnomAD no frequency). This missense change has been observed in individual(s) with autosomal dominant Best vitelliform macular dystrophy (PMID: 12324875). It has also been observed to segregate with disease in related individuals. ClinVar contains an entry for this variant (Variation ID: 99777). Invitae Evidence Modeling of protein sequence and biophysical properties (such as structural, functional, and spatial information, amino acid conservation, physicochemical variation, residue mobility, and thermodynamic stability) indicates that this missense variant is expected to disrupt BEST1 protein function with a positive predictive value of 95%. This variant disrupts the p.Asp303 amino acid residue in BEST1. Other variant(s) that disrupt this residue have been observed in individuals with BEST1-related conditions (PMID: 21273940, 23213274; internal data), which suggests that this may be a clinically significant amino acid residue. For these reasons, this variant has been classified as Pathogenic.

Blueprint Genetics
Classification: Pathogenic for BEST1-related disorders. Last evaluated: 2023-05-31. Review status: criteria provided, single submitter. Criteria: ACMG Guidelines, 2015. Collection method: clinical testing. Allele origin: germline. Affected: yes. Observed: 1 variant allele.

Retina International
No classification provided. Review status: no classification provided. Collection method: not provided. Allele origin: not provided. Not counted in ClinVar's aggregate classification.

Literature cited by the submitters: PubMed 12324875 (cited by Labcorp Genetics (formerly Invitae), Labcorp); PubMed 21273940 (cited by Labcorp Genetics (formerly Invitae), Labcorp); PubMed 23213274 (cited by Labcorp Genetics (formerly Invitae), Labcorp).

NM_004183.4(BEST1):c.909T>A (p.Asp303Glu)

Gene: BEST1 (bestrophin 1; plus strand). Cytogenetic location: 11q12.3.
Variant type: single nucleotide variant.
Coding change: c.909T>A on transcript NM_004183.4 (MANE Select); coding-DNA position 909, T replaced by A.
Protein change: p.Asp303Glu; replaces aspartic acid 303 with glutamic acid.
Molecular consequence: missense variant. On other transcripts: non-coding transcript variant (1), intron variant (1).
Genome position (GRCh38, 1-based): chr11:61,959,539, T>A. VCF-style: chr11-61959539-T-A. GRCh37 (hg19) VCF-style: chr11-61727011-T-A.
Other names: c.729T>A, p.Asp243Glu (NM_001139443.3, NM_001300787.2); c.591T>A, p.Asp197Glu (NM_001363591.3); c.1112T>A, p.Met371Lys (NM_001363592.2); c.-64T>A (NM_001363593.3); c.688-353T>A (NM_001300786.2); short protein forms D303E, D197E, D243E, M371K.
Identifiers: ClinVar variation 99777 (VCV000099777.8), dbSNP rs281865264, ClinGen allele CA227849.